The following is an entry in ClinVar:

ClinVar aggregate classification (germline): Uncertain significance (1 of 4 stars; one submission).

Conditions:
Inborn genetic diseases. Identifiers: MedGen C0950123, MeSH D030342.

Submission:

Ambry Genetics
Classification: Uncertain significance for Inborn genetic diseases. Last evaluated: 2021-10-15. Review status: criteria provided, single submitter. Criteria: Ambry Variant Classification Scheme 2023. Collection method: clinical testing. Allele origin: germline.
Comment: The p.D739V variant (also known as c.2216A>T), located in coding exon 10 of the ATR gene, results from an A to T substitution at nucleotide position 2216. The aspartic acid at codon 739 is replaced by valine, an amino acid with highly dissimilar properties. This amino acid position is conserved. In addition, the in silico prediction for this alteration is inconclusive. Since supporting evidence is limited at this time, the clinical significance of this alteration remains unclear.

NM_001184.4(ATR):c.2216A>T (p.Asp739Val)

Gene: ATR (ATR checkpoint kinase; minus strand). Cytogenetic location: 3q23.
Variant type: single nucleotide variant.
Coding change: c.2216A>T on transcript NM_001184.4 (MANE Select); coding-DNA position 2216, A replaced by T.
Protein change: p.Asp739Val; replaces aspartic acid 739 with valine.
Molecular consequence: missense variant.
Genome position (GRCh38, 1-based): chr3:142,556,002, T>A on the plus strand (A>T on the coding strand, the complement: ATR is on the minus strand). VCF-style: chr3-142556002-T-A. GRCh37 (hg19) VCF-style: chr3-142274844-T-A.
Other names: c.2024A>T, p.Asp675Val (NM_001354579.2); short protein forms D675V, D739V.
Identifiers: ClinVar variation 1787838 (VCV001787838.2), dbSNP rs2473395003, ClinGen allele CA354818743.
Genomic context (GRCh38, chr3:142,556,002, plus strand): 5'-TTTAGTTGAGAAGATGAACATTCATGTTGAGAAGTGGCTTTCAAGTTCCTACAGAAGAGG[T>A]CCACATGTCCGTGTTCAGAGAAAGGTTCTGTTAAAGAACTTGTCAGATAAAACATGCCGT-3'
Protein context (NP_001175.2, residues 729-749): TEPFSEHGHV[Asp739Val]LFCRNLKATS